The following is an entry in ClinVar:

ClinVar aggregate classification (germline): Uncertain significance. Review status: criteria provided, single submitter (1 of 4 stars). 2 submissions from 2 submitters: Uncertain significance (1). 1 of the submissions does not count toward it. Last evaluated 2022-03-08.

Conditions:
Glycine encephalopathy. Also called: Nonketotic hyperglycinemia; Non-ketotic hyperglycinemia. Identifiers: Orphanet 407, MedGen C0751748, MONDO:0011612, HP:0008288.

Submissions (2):

Labcorp Genetics (formerly Invitae), Labcorp
Classification: Uncertain significance for Glycine encephalopathy. Last evaluated: 2022-03-08. Review status: criteria provided, single submitter. Criteria: Invitae Variant Classification Sherloc (09022015). Collection method: clinical testing. Allele origin: germline.
Comment: This sequence change replaces threonine, which is neutral and polar, with alanine, which is neutral and non-polar, at codon 66 of the AMT protein (p.Thr66Ala). This variant is not present in population databases (gnomAD no frequency). This variant has not been reported in the literature in individuals affected with AMT-related conditions. ClinVar contains an entry for this variant (Variation ID: 1044553). Advanced modeling of protein sequence and biophysical properties (such as structural, functional, and spatial information, amino acid conservation, physicochemical variation, residue mobility, and thermodynamic stability) performed at Invitae indicates that this missense variant is not expected to disrupt AMT protein function. In summary, the available evidence is currently insufficient to determine the role of this variant in disease. Therefore, it has been classified as a Variant of Uncertain Significance.

Natera, Inc.
Classification: Uncertain significance for Non-ketotic hyperglycinemia. Last evaluated: 2021-05-31. Review status: no assertion criteria provided. Collection method: clinical testing. Allele origin: germline. Not counted in ClinVar's aggregate classification.

NM_000481.4(AMT):c.196A>G (p.Thr66Ala)

Gene: AMT (aminomethyltransferase; minus strand). Cytogenetic location: 3p21.31.
Variant type: single nucleotide variant.
Coding change: c.196A>G on transcript NM_000481.4 (MANE Select); coding-DNA position 196, A replaced by G.
Protein change: p.Thr66Ala; replaces threonine 66 with alanine.
Molecular consequence: missense variant. On other transcripts: non-coding transcript variant (1), intron variant (1).
Genome position (GRCh38, 1-based): chr3:49,422,166, T>C on the plus strand (A>G on the coding strand, the complement: AMT is on the minus strand). VCF-style: chr3-49422166-T-C. GRCh37 (hg19) VCF-style: chr3-49459599-T-C.
Other names: c.196A>G, p.Thr66Ala (NM_001164710.2, NM_001164712.2); c.90+195A>G (NM_001164711.2); short protein forms T66A.
Identifiers: ClinVar variation 1044553 (VCV001044553.5), dbSNP rs2049115954, ClinGen allele CA352791139.